The following is an entry in ClinVar:

NM_018706.7(DHTKD1):c.2185G>A (p.Gly729Arg)

Gene: DHTKD1 (dehydrogenase E1 and transketolase domain containing 1; plus strand). Cytogenetic location: 10p14.
Variant type: single nucleotide variant.
Coding change: c.2185G>A on transcript NM_018706.7 (MANE Select); coding-DNA position 2185, G replaced by A.
Protein change: p.Gly729Arg; replaces glycine 729 with arginine.
Molecular consequence: missense variant.
Genome position (GRCh38, 1-based): chr10:12,112,930, G>A. VCF-style: chr10-12112930-G-A. GRCh37 (hg19) VCF-style: chr10-12154929-G-A.
Other names: DHTKD1, GLY729ARG (rs117225135); NM_018706.6:c.2185G>A(p.Gly729Arg); short protein forms G729R.
Identifiers: ClinVar variation 39564 (VCV000039564.81), dbSNP rs117225135, ClinGen allele CA130360.

ClinVar aggregate classification (germline): Conflicting classifications of pathogenicity. Review status: criteria provided, conflicting classifications (1 of 4 stars). 28 submissions from 28 submitters: Pathogenic (7); Likely pathogenic (13); Uncertain significance (4). 4 of the submissions do not count toward it. Last evaluated 2026-08-06.

Conditions:
DHTKD1-related disorder. Also called: DHTKD1-related condition.
Inborn disorder of lysine and hydroxylysine metabolism. Identifiers: Orphanet 289832, MedGen C0268552, MONDO:0017351.
Inborn genetic diseases. Identifiers: MedGen C0950123, MeSH D030342.
2-aminoadipic 2-oxoadipic aciduria (AAKAD). Also called: Aminoadipic aciduria; ALPHA-AMINOADIPIC AND ALPHA-KETOADIPIC ACIDURIA. Identifiers: Orphanet 79154, MedGen C1859817, MONDO:0008774, OMIM 204750.
Charcot-Marie-Tooth disease type 2A2. Also called: CHARCOT-MARIE-TOOTH DISEASE, AXONAL, AUTOSOMAL DOMINANT, TYPE 2A2A; CHARCOT-MARIE-TOOTH DISEASE, NEURONAL, TYPE 2A2; CHARCOT-MARIE-TOOTH DISEASE, AXONAL, TYPE 2A2; HEREDITARY MOTOR AND SENSORY NEUROPATHY IIA2; HMSN IIA2; Charcot-Marie-Tooth Neuropathy Type 2A2. Identifiers: Orphanet 99947, MedGen C4721887, MONDO:0012231, OMIM 609260.
Tip-toe gait. Also called: Toe walking. Identifiers: MedGen C0427144, HP:0030051.

Allele frequency attached by ClinVar (database versions not stated): gnomAD exomes 0.00166 and 0.00275; gnomAD 0.00188 and 0.00190; TOPMed 0.00192; 1000 Genomes Project 0.00080; 1000 Genomes Project 30x 0.00094; ExAC 0.00156; ESP Exome Variant Server 0.00177.
gnomAD v4.1: 4,292 of 1,610,968 alleles (0.27%); highest among the groups gnomAD compares: Middle Eastern, 0.36%; 12 homozygotes.

Submissions 1 to 10 of 28:

OLLIN Analises Genomicas, OLLIN
Classification: Pathogenic. Last evaluated: 2026-08-06. Review status: criteria provided, single submitter. Criteria: ACMG Guidelines 2015 PMID 25741868. Collection method: clinical testing. Allele origin: germline.
Comment: This missense variant, located in exon 13 (of 17), has been reported in ClinVar (accession VCV000039564.76), in gnomAD with an allele frequency of 0.27%, and in the scientific literature, in compound heterozygosity, in individuals with DHTKD1 related disorders (PMID: 32303640). In silico analysis is inconclusive regarding the impact of this variant; however, functional studies suggest that it may affect protein function (PMID: 32303640). According to the currently available evidence, this variant has been classified as pathogenic (PS3_P, PS4_P, PM3_VS).

PreventionGenetics, part of Exact Sciences
Classification: Likely pathogenic for DHTKD1-related condition. Last evaluated: 2026-05-12. Review status: criteria provided, single submitter. Criteria: ACMG Guidelines, 2015. Collection method: clinical testing. Allele origin: germline.
Comment: The DHTKD1 c.2185G>A variant is predicted to result in the amino acid substitution p.Gly729Arg. This variant has been reported in the compound heterozygous and homozygous states in many individuals diagnosed with 2-aminoadipic 2-oxoadipic aciduria (Danhauser et al. 2012. PubMed ID: 23141293; Hagen et al. 2015. PubMed ID: 25860818; Stiles et al. 2015. PubMed ID: 26141459; Boonsawat et al. 2019. PubMed ID: 30842647). Experimental studies indicate this variant impacts protein function (Danhauser et al. 2012. PubMed ID: 23141293; Zhang et al. 2020. PubMed ID: 32303640). This variant is reported in 0.27% of alleles in individuals of European (Non-Finnish) descent in gnomAD, including twelve homozygous individuals in the most recent v4 dataset, indicating this variant is relatively common. These population data suggest there may be reduced expressivity of disease when this variant is present in the homozygous state. Given the evidence, we interpret this variant as likely pathogenic for autosomal recessive DHTKD1-related disorders.

Dasa
Classification: Likely pathogenic. Last evaluated: 2026-03-03. Review status: criteria provided, single submitter. Criteria: DASA Assertion Criteria. Collection method: clinical testing. Allele origin: germline.
Comment: NM_018706.7(DHTKD1):c.2185G>A (p.Gly729Arg) is a missense variant that results in the substitution of glycine with arginine. This variant has been recurrently observed in individuals with DHTKD1-related disorders (PMID: 23141293; PMID: 26141459; PMID: 25860818). Functional evidence supports an impact on the gene or gene product. Also, this variant is rare in population databases. Based on the currently available evidence, this variant is classified as likely pathogenic.

CeGaT Center for Human Genetics Tuebingen
Classification: Uncertain significance. Last evaluated: 2026-02-01. Review status: criteria provided, single submitter. Criteria: CeGaT Center For Human Genetics Tuebingen Variant Classification Criteria Version 2. Collection method: clinical testing. Allele origin: germline. Affected: yes. Observed: 5 variant alleles.
Comment: DHTKD1: PS3:Supporting, BS1:Supporting

Labcorp Genetics (formerly Invitae), Labcorp
Classification: Pathogenic for 2-aminoadipic 2-oxoadipic aciduria. Last evaluated: 2026-01-27. Review status: criteria provided, single submitter. Criteria: Invitae Variant Classification Sherloc (09022015). Collection method: clinical testing. Allele origin: germline.
Comment: This sequence change replaces glycine, which is neutral and non-polar, with arginine, which is basic and polar, at codon 729 of the DHTKD1 protein (p.Gly729Arg). This variant is present in population databases (rs117225135, gnomAD 0.3%), and has an allele count higher than expected for a pathogenic variant. This missense change has been observed in individual(s) with autosomal recessive 2-aminoadipic 2-oxoadipic aciduria (PMID: 23141293, 25860818, 26141459; internal data). In at least one individual the data is consistent with being in trans (on the opposite chromosome) from a pathogenic variant. ClinVar contains an entry for this variant (Variation ID: 39564). An algorithm developed to predict the effect of missense changes on protein structure and function (PolyPhen-2) suggests that this variant is likely to be tolerated. For these reasons, this variant has been classified as Pathogenic.

Ambry Genetics
Classification: Likely pathogenic for Inborn genetic diseases. Last evaluated: 2025-04-25. Review status: criteria provided, single submitter. Criteria: Ambry Variant Classification Scheme 2023. Collection method: clinical testing. Allele origin: germline.
Comment: The c.2185G>A (p.G729R) alteration is located in exon 13 (coding exon 13) of the DHTKD1 gene. This alteration results from a G to A substitution at nucleotide position 2185, causing the glycine (G) at amino acid position 729 to be replaced by an arginine (R). Based on data from gnomAD, the A allele has an overall frequency of 0.17% (465/279662) total alleles studied. The highest observed frequency was 0.27% (352/128094) of European (non-Finnish) alleles. This variant has been identified in conjunction with other DHTKD1 variant(s) in individual(s) with features consistent with alpha-aminoadipic and alpha-ketoadipic aciduria (Danhauser, 2012; Hagen, 2015; Stiles, 2016). This amino acid position is well conserved in available vertebrate species. Experimental studies showed this variant has a damaging effect on protein function (Danhauser, 2012; Zhang, 2020). This alteration is predicted to be tolerated by in silico analysis. Based on the available evidence, this alteration is classified as likely pathogenic.

Variantyx, Inc.
Classification: Pathogenic for 2-aminoadipic 2-oxoadipic aciduria. Last evaluated: 2025-03-23. Review status: criteria provided, single submitter. Criteria: Variantyx Assertion Criteria 2022. Collection method: clinical testing. Allele origin: germline. Inheritance: Autosomal recessive inheritance.
Comment: This is a nonsynonymous variant in the DHTKD1 gene (OMIM: 614984). Pathogenic variants in this gene have been associated with autosomal recessive alpha-aminoadipic and alpha ketoadipic aciduria. This variant has been reported in the homozygous or compound heterozygous state in several unrelated, affected individuals (PMID:35052424, 30842647, 26141459, 25860818, 23141293) (PM3). Functional studies have shown that this variant alters DHTKD1 protein function (PMID: 32303640, 23141293) (PS3) and multiple computational algorithms predict no functional impact for this variant (REVEL score: 0.235) (BP4). This variant has a 0.3633% maximum allele frequency in non-founder control populations. Based on the current evidence, this variant is classified as pathogenic for autosomal recessive alpha-aminoadipic and alpha ketoadipic aciduria.

First Genomix Gene Laboratory, Genetic Diagnostics Department
Classification: Pathogenic for 2-aminoadipic 2-oxoadipic aciduria. Last evaluated: 2025-03-20. Review status: criteria provided, single submitter. Criteria: ACMG Guidelines, 2015. Collection method: clinical testing. Allele origin: germline. Inheritance: Autosomal recessive inheritance. Affected: no. Observed: 1 variant allele.

Blueprint Genetics
Classification: Likely pathogenic for DHTKD1-related disorders. Last evaluated: 2024-11-25. Review status: criteria provided, single submitter. Criteria: ACMG Guidelines, 2015. Collection method: clinical testing. Allele origin: de novo. Affected: yes. Observed: 5 variant alleles.

Women's Health and Genetics/Laboratory Corporation of America, LabCorp
Classification: Pathogenic for 2-aminoadipic 2-oxoadipic aciduria. Last evaluated: 2024-05-08. Review status: criteria provided, single submitter. Criteria: LabCorp Variant Classification Summary - May 2015. Collection method: clinical testing. Allele origin: germline.
Comment: Variant summary: DHTKD1 c.2185G>A (p.Gly729Arg) results in a non-conservative amino acid change located in the Transketolase-like, pyrimidine-binding domain (IPR005475) of the encoded protein sequence. Three of five in-silico tools predict a damaging effect of the variant on protein function. The variant allele was found at a frequency of 0.0017 in 248268 control chromosomes. c.2185G>A has been reported in the literature in individuals affected with 2-Aminoadipic 2-Oxoadipic Aciduria (examples: Danhauser_2012, Lee_2014, Hagen_2015). These data indicate that the variant is likely to be associated with disease. At least one publication reports experimental evidence that this variant impacts normal protein function (Zhang_2020). The following publications have been ascertained in the context of this evaluation (PMID: 23141293, 25860818, 25326637, 32303640). ClinVar contains an entry for this variant (Variation ID: 39564). Based on the evidence outlined above, the variant was classified as pathogenic.